The following is an entry in ClinVar:

ClinVar aggregate classification (germline): Uncertain significance (0 of 4 stars; one submission).

Conditions:
KIDINS220-related disorder. Also called: KIDINS220-related condition.

Submission:

PreventionGenetics, part of Exact Sciences
Classification: Uncertain significance for KIDINS220-related condition. Last evaluated: 2024-03-15. Review status: no assertion criteria provided. Collection method: clinical testing. Allele origin: germline.
Comment: The KIDINS220 c.1406G>A variant is predicted to result in the amino acid substitution p.Gly469Glu. To our knowledge, this variant has not been reported in the literature or in a large population database, indicating this variant is rare. At this time, the clinical significance of this variant is uncertain due to the absence of conclusive functional and genetic evidence.

NM_020738.4(KIDINS220):c.1406G>A (p.Gly469Glu)

Gene: KIDINS220 (kinase D interacting substrate 220; minus strand). Cytogenetic location: 2p25.1.
Variant type: single nucleotide variant.
Coding change: c.1406G>A on transcript NM_020738.4 (MANE Select); coding-DNA position 1406, G replaced by A.
Protein change: p.Gly469Glu; replaces glycine 469 with glutamic acid.
Molecular consequence: missense variant. On other transcripts: non-coding transcript variant (2).
Genome position (GRCh38, 1-based): chr2:8,791,095, C>T on the plus strand (G>A on the coding strand, the complement: KIDINS220 is on the minus strand). VCF-style: chr2-8791095-C-T. GRCh37 (hg19) VCF-style: chr2-8931225-C-T.
Other names: c.1409G>A, p.Gly470Glu (NM_001348729.2, NM_001348731.2, NM_001348734.2 and 3 more transcripts); c.1406G>A, p.Gly469Glu (NM_001348732.2, NM_001348735.2, NM_001348738.2 and 3 more transcripts); c.1280G>A, p.Gly427Glu (NM_001348736.2); short protein forms G427E, G469E, G470E.
Identifiers: ClinVar variation 3349739 (VCV003349739.1).